The following is an entry in ClinVar:

ClinVar aggregate classification (germline): Uncertain significance. Review status: criteria provided, multiple submitters, no conflicts (2 of 4 stars). 2 submissions from 2 submitters: Uncertain significance (2). Last evaluated 2024-11-24.

Conditions:
Ataxia-telangiectasia syndrome (AT). Also called: Ataxia-telangiectasia; LOUIS-BAR SYNDROME; Ataxia-telangiectasia, complementation group D; AT, COMPLEMENTATION GROUP C; ATAXIA-TELANGIECTASIA, COMPLEMENTATION GROUP A; ATAXIA-TELANGIECTASIA, FRESNO VARIANT. Identifiers: Orphanet 100, MedGen C0004135, MONDO:0008840, OMIM 208900.

Allele frequency attached by ClinVar (database versions not stated): gnomAD exomes below 0.00001.
gnomAD v4.1: 2 of 1,612,930 alleles (0.00012%); highest among the groups gnomAD compares: Middle Eastern, 0.033%; no homozygotes.

Submissions (2):

Labcorp Genetics (formerly Invitae), Labcorp
Classification: Uncertain significance for Ataxia-telangiectasia syndrome. Last evaluated: 2024-11-24. Review status: criteria provided, single submitter. Criteria: Invitae Variant Classification Sherloc (09022015). Collection method: clinical testing. Allele origin: germline.
Comment: This sequence change replaces valine, which is neutral and non-polar, with alanine, which is neutral and non-polar, at codon 2256 of the ATM protein (p.Val2256Ala). This variant is not present in population databases (gnomAD no frequency). This variant has not been reported in the literature in individuals affected with ATM-related conditions. ClinVar contains an entry for this variant (Variation ID: 1307291). Invitae Evidence Modeling of protein sequence and biophysical properties (such as structural, functional, and spatial information, amino acid conservation, physicochemical variation, residue mobility, and thermodynamic stability) indicates that this missense variant is not expected to disrupt ATM protein function with a negative predictive value of 95%. In summary, the available evidence is currently insufficient to determine the role of this variant in disease. Therefore, it has been classified as a Variant of Uncertain Significance.

GeneDx
Classification: Uncertain significance. Last evaluated: 2019-07-22. Review status: criteria provided, single submitter. Criteria: GeneDx Variant Classification Process June 2021. Collection method: clinical testing. Allele origin: germline. Affected: yes.
Comment: Not observed in large population cohorts (Lek et al., 2016); In silico analysis, which includes protein predictors and evolutionary conservation, supports that this variant does not alter protein structure/function; Has not been previously published as pathogenic or benign to our knowledge

NM_000051.4(ATM):c.6767T>C (p.Val2256Ala)

Genes: ATM (ATM serine/threonine kinase; plus strand), C11orf65 (chromosome 11 open reading frame 65; minus strand). Cytogenetic location: 11q22.3.
Variant type: single nucleotide variant.
Coding change: c.6767T>C on transcript NM_000051.4 (MANE Select); coding-DNA position 6767, T replaced by C.
Protein change: p.Val2256Ala; replaces valine 2256 with alanine.
Molecular consequence: missense variant. On other transcripts: intron variant (2).
Genome position (GRCh38, 1-based): chr11:108,325,504, T>C. VCF-style: chr11-108325504-T-C. GRCh37 (hg19) VCF-style: chr11-108196231-T-C.
Other names: c.6767T>C, p.Val2256Ala (NM_001351834.2); c.641-16433A>G (NM_001330368.2); c.*38+9716A>G (NM_001351110.2); short protein forms V2256A.
Identifiers: ClinVar variation 1307291 (VCV001307291.7), dbSNP rs2136317245, ClinGen allele CA382555384.
Genomic context (GRCh38, chr11:108,325,504, plus strand): 5'-AAAAGGAAATGGACAACTCACAAAGAGAATGTATTAAGGACATTCTCACCAAACACCTTG[T>C]AGAACTCTCTATACTGGCCAGAACTTTCAAGAACACTCAGGTAAATACAATTTAAAACTA-3'
Protein context (NP_000042.3, residues 2246-2266): CIKDILTKHL[Val2256Ala]ELSILARTFK